The following is an entry in ClinVar:

ClinVar aggregate classification (germline): Uncertain significance (1 of 4 stars; one submission).

Conditions:
Perlman syndrome (PRLMNS). Identifiers: Orphanet 2849, MedGen C0796113, MONDO:0009965, OMIM 267000.

Allele frequency attached by ClinVar (database versions not stated): gnomAD exomes 0.00001.
gnomAD v4.1: 6 of 1,613,922 alleles (0.00037%); highest among the groups gnomAD compares: Non-Finnish European, 0.00051%; no homozygotes.

Submission:

Labcorp Genetics (formerly Invitae), Labcorp
Classification: Uncertain significance for Perlman syndrome. Last evaluated: 2022-05-10. Review status: criteria provided, single submitter. Criteria: Invitae Variant Classification Sherloc (09022015). Collection method: clinical testing. Allele origin: germline.
Comment: This variant is not present in population databases (gnomAD no frequency). This sequence change falls in intron 15 of the DIS3L2 gene. It does not directly change the encoded amino acid sequence of the DIS3L2 protein. In summary, the available evidence is currently insufficient to determine the role of this variant in disease. Therefore, it has been classified as a Variant of Uncertain Significance. Algorithms developed to predict the effect of sequence changes on RNA splicing suggest that this variant may create or strengthen a splice site. This variant has not been reported in the literature in individuals affected with DIS3L2-related conditions.

NM_152383.5(DIS3L2):c.1924-18T>C

Gene: DIS3L2 (DIS3 like 3'-5' exoribonuclease 2; plus strand). Cytogenetic location: 2q37.1.
Variant type: single nucleotide variant.
Coding change: c.1924-18T>C on transcript NM_152383.5 (MANE Select); 18 bases into the intron before coding-DNA position 1924, T replaced by C.
Molecular consequence: intron variant.
Genome position (GRCh38, 1-based): chr2:232,330,672, T>C. VCF-style: chr2-232330672-T-C. GRCh37 (hg19) VCF-style: chr2-233195382-T-C.
Other names: c.1582-12673T>C (NM_001257281.2).
Identifiers: ClinVar variation 2057486 (VCV002057486.4), dbSNP rs2469436415, ClinGen allele CA2580066052.
Genomic context (GRCh38, chr2:232,330,672, plus strand): 5'-GCTCAGCGGATGACAGGGCCCAGAGTCTCTGCCCGAGCTGGACCACACGTCACATAGGTT[T>C]CTGGGATTTGCTTCTAGAAAAGCCTGACCCAAACATTTGGAGATGACAAGTACTCACTGG-3'